The following is an entry in ClinVar:

ClinVar aggregate classification (germline): Uncertain significance (1 of 4 stars; one submission).

gnomAD v4.1: 1 of 1,614,022 alleles (0.000062%); highest among the groups gnomAD compares: Non-Finnish European, 0.000085%; no homozygotes.

Submission:

GeneDx
Classification: Uncertain significance. Last evaluated: 2022-08-29. Review status: criteria provided, single submitter. Criteria: GeneDx Variant Classification Process June 2021. Collection method: clinical testing. Allele origin: germline.
Comment: Variants in candidate genes are classified as variants of uncertain significance in accordance with ACMG guidelines (Richards et al., 2015); Not observed at significant frequency in large population cohorts (gnomAD); In silico analysis supports that this missense variant does not alter protein structure/function; Has not been previously published as pathogenic or benign to our knowledge

NM_014709.4(USP34):c.1166A>G (p.Lys389Arg)

Gene: USP34 (ubiquitin specific peptidase 34; minus strand). Cytogenetic location: 2p15.
Variant type: single nucleotide variant.
Coding change: c.1166A>G on transcript NM_014709.4 (MANE Select); coding-DNA position 1166, A replaced by G.
Protein change: p.Lys389Arg; replaces lysine 389 with arginine.
Molecular consequence: missense variant.
Genome position (GRCh38, 1-based): chr2:61,370,406, T>C on the plus strand (A>G on the coding strand, the complement: USP34 is on the minus strand). VCF-style: chr2-61370406-T-C. GRCh37 (hg19) VCF-style: chr2-61597541-T-C.
Other names: short protein forms K389R.
Identifiers: ClinVar variation 4888170 (VCV004888170.1).